The following is an entry in ClinVar:

ClinVar aggregate classification (germline): Conflicting classifications of pathogenicity. Review status: criteria provided, conflicting classifications (1 of 4 stars). 7 submissions from 7 submitters: Uncertain significance (6); Likely benign (1). Last evaluated 2026-05-29.

Conditions:
Patterned macular dystrophy 2. Identifiers: Orphanet 99001, MedGen C1837029, MONDO:0012162, OMIM 608970.
Hereditary cancer-predisposing syndrome. Also called: Neoplastic Syndromes, Hereditary; Tumor predisposition; Hereditary neoplastic syndrome; Hereditary Cancer Syndrome. Identifiers: Orphanet 140162, MedGen C0027672, MeSH D009386, MONDO:0015356.
CTNNA1-related disorder. Also called: CTNNA1-related condition.
Hereditary diffuse gastric adenocarcinoma (HDGC). Also called: DIFFUSE GASTRIC AND LOBULAR BREAST CANCER SYNDROME. Identifiers: Orphanet 26106, MedGen C1708349, MONDO:0007648, OMIM 137215.

Allele frequency attached by ClinVar (database versions not stated): ExAC 0.00001; gnomAD 0.00003; TOPMed 0.00007.
gnomAD v4.1: 72 of 1,611,558 alleles (0.0045%); highest among the groups gnomAD compares: East Asian, 0.013%; no homozygotes.

Submissions (7):

PreventionGenetics, part of Exact Sciences
Classification: Uncertain significance for CTNNA1-related condition. Last evaluated: 2026-05-29. Review status: criteria provided, single submitter. Criteria: ACMG Guidelines, 2015. Collection method: clinical testing. Allele origin: germline.
Comment: The CTNNA1 c.1192A>G variant is predicted to result in the amino acid substitution p.Asn398Asp. This variant was reported in a cohort of individuals who underwent germline multigene panel testing, however limited clinical information was provided (Clark et al. 2020. PubMed ID: 32051609). This variant is reported in 0.0031% of alleles in individuals of European (Non-Finnish) descent in gnomAD and has conflicting classifications in ClinVar ranging from likely benign to uncertain (Variation ID: 646977). At this time, the clinical significance of this variant is uncertain due to the absence of conclusive functional and genetic evidence.

Labcorp Genetics (formerly Invitae), Labcorp
Classification: Uncertain significance. Last evaluated: 2026-01-13. Review status: criteria provided, single submitter. Criteria: Invitae Variant Classification Sherloc (09022015). Collection method: clinical testing. Allele origin: germline.
Comment: This sequence change replaces asparagine, which is neutral and polar, with aspartic acid, which is acidic and polar, at codon 398 of the CTNNA1 protein (p.Asn398Asp). This variant is present in population databases (rs773003463, gnomAD 0.004%). This variant has not been reported in the literature in individuals affected with CTNNA1-related conditions. ClinVar contains an entry for this variant (Variation ID: 646977). Invitae Evidence Modeling of protein sequence and biophysical properties (such as structural, functional, and spatial information, amino acid conservation, physicochemical variation, residue mobility, and thermodynamic stability) indicates that this missense variant is not expected to disrupt CTNNA1 protein function with a negative predictive value of 80%. In summary, the available evidence is currently insufficient to determine the role of this variant in disease. Therefore, it has been classified as a Variant of Uncertain Significance.

Myriad Genetics, Inc.
Classification: Likely benign for Hereditary diffuse gastric adenocarcinoma. Last evaluated: 2024-10-11. Review status: criteria provided, single submitter. Criteria: Myriad Autosomal Dominant, Autosomal Recessive and X-Linked Classification Criteria (2023). Collection method: clinical testing. Allele origin: unknown.
Comment: This variant is considered likely benign. Homozygosity has been confirmed in one or more individuals. As homozygosity for pathogenic variants in this gene is generally assumed to result in embryonic lethality, this variant is unlikely to be pathogenic.

Ambry Genetics
Classification: Uncertain significance for Hereditary cancer-predisposing syndrome. Last evaluated: 2024-09-26. Review status: criteria provided, single submitter. Criteria: Ambry Variant Classification Scheme 2023. Collection method: clinical testing. Allele origin: germline.
Comment: The p.N398D variant (also known as c.1192A>G), located in coding exon 8 of the CTNNA1 gene, results from an A to G substitution at nucleotide position 1192. The asparagine at codon 398 is replaced by aspartic acid, an amino acid with highly similar properties. This amino acid position is highly conserved in available vertebrate species. In addition, this alteration is predicted to be tolerated by in silico analysis. The evidence for this gene-disease relationship is limited; therefore, the clinical significance of this alteration is unclear.

GeneDx
Classification: Uncertain significance. Last evaluated: 2024-06-18. Review status: criteria provided, single submitter. Criteria: GeneDx Variant Classification Process June 2021. Collection method: clinical testing. Allele origin: germline.
Comment: In silico analysis supports that this missense variant has a deleterious effect on protein structure/function; Observed in multiple individuals who underwent multigene panel testing for unspecified clinical histories (PMID: 32051609); This variant is associated with the following publications: (PMID: 32051609)

Fulgent Genetics
Classification: Uncertain significance for Patterned macular dystrophy 2. Last evaluated: 2024-02-15. Review status: criteria provided, single submitter. Criteria: ACMG Guidelines, 2015. Collection method: clinical testing. Allele origin: germline.

Baylor Genetics
Classification: Uncertain significance for Patterned macular dystrophy 2. Last evaluated: 2023-09-12. Review status: criteria provided, single submitter. Criteria: ACMG Guidelines, 2015. Collection method: clinical testing. Allele origin: unknown.

NM_001903.5(CTNNA1):c.1192A>G (p.Asn398Asp)

Gene: CTNNA1 (catenin alpha 1; plus strand). Cytogenetic location: 5q31.2.
Variant type: single nucleotide variant.
Coding change: c.1192A>G on transcript NM_001903.5 (MANE Select); coding-DNA position 1192, A replaced by G.
Protein change: p.Asn398Asp; replaces asparagine 398 with aspartic acid.
Molecular consequence: missense variant. On other transcripts: 5 prime UTR variant (5), intron variant (2).
Genome position (GRCh38, 1-based): chr5:138,887,538, A>G. VCF-style: chr5-138887538-A-G. GRCh37 (hg19) VCF-style: chr5-138223227-A-G.
Other names: c.1192A>G, p.Asn398Asp (NM_001290307.3, NM_001323982.2, NM_001323983.1 and 3 more transcripts); c.883A>G, p.Asn295Asp (NM_001290309.3); c.823A>G, p.Asn275Asp (NM_001290310.3); c.82A>G, p.Asn28Asp (NM_001290312.1, NM_001323987.1, NM_001323988.1 and 18 more transcripts); c.-316A>G (NM_001324006.1, NM_001324007.1, NM_001324008.1 and 1 more transcripts); c.-191A>G (NM_001324013.1); c.-58+11941A>G (NM_001324012.1); c.-61+11941A>G (NM_001324010.1); and 1 more; short protein forms N275D, N28D, N295D, N398D.
Identifiers: ClinVar variation 646977 (VCV000646977.18), dbSNP rs773003463, ClinGen allele CA3431880.